The following is an entry in ClinVar:

NM_025150.5(TARS2):c.1804A>C (p.Ser602Arg)

Gene: TARS2 (threonyl-tRNA synthetase 2, mitochondrial; plus strand). Cytogenetic location: 1q21.2.
Variant type: single nucleotide variant.
Coding change: c.1804A>C on transcript NM_025150.5 (MANE Select); coding-DNA position 1804, A replaced by C.
Protein change: p.Ser602Arg; replaces serine 602 with arginine.
Molecular consequence: missense variant. On other transcripts: non-coding transcript variant (2).
Genome position (GRCh38, 1-based): chr1:150,504,717, A>C. VCF-style: chr1-150504717-A-C. GRCh37 (hg19) VCF-style: chr1-150477193-A-C.
Other names: c.1804A>C (NM_025150.3); c.1558A>C, p.Ser520Arg (NM_001271895.2); c.1414A>C, p.Ser472Arg (NM_001271896.2); short protein forms S602R, S472R, S520R.
Identifiers: ClinVar variation 1392127 (VCV001392127.7), dbSNP rs776684409, ClinGen allele CA1077152.

ClinVar aggregate classification (germline): Uncertain significance. Review status: criteria provided, multiple submitters, no conflicts (2 of 4 stars). 2 submissions from 2 submitters: Uncertain significance (2). Last evaluated 2025-06-18.

Conditions:
Inborn genetic diseases. Identifiers: MedGen C0950123, MeSH D030342.

Allele frequency attached by ClinVar (database versions not stated): TOPMed below 0.00001; ExAC 0.00002; gnomAD exomes 0.00002.
gnomAD v4.1: 4 of 1,614,156 alleles (0.00025%); highest among the groups gnomAD compares: Admixed American, 0.0067%; no homozygotes.

Submissions (2):

Ambry Genetics
Classification: Uncertain significance for Inborn genetic diseases. Last evaluated: 2025-06-18. Review status: criteria provided, single submitter. Criteria: Ambry Variant Classification Scheme 2023. Collection method: clinical testing. Allele origin: germline.

Labcorp Genetics (formerly Invitae), Labcorp
Classification: Uncertain significance. Last evaluated: 2023-08-30. Review status: criteria provided, single submitter. Criteria: Invitae Variant Classification Sherloc (09022015). Collection method: clinical testing. Allele origin: germline.
Comment: ClinVar contains an entry for this variant (Variation ID: 1392127). This sequence change replaces serine, which is neutral and polar, with arginine, which is basic and polar, at codon 602 of the TARS2 protein (p.Ser602Arg). This variant is present in population databases (rs776684409, gnomAD 0.01%). This variant has not been reported in the literature in individuals affected with TARS2-related conditions. Advanced modeling of protein sequence and biophysical properties (such as structural, functional, and spatial information, amino acid conservation, physicochemical variation, residue mobility, and thermodynamic stability) has been performed at Invitae for this missense variant, however the output from this modeling did not meet the statistical confidence thresholds required to predict the impact of this variant on TARS2 protein function. In summary, the available evidence is currently insufficient to determine the role of this variant in disease. Therefore, it has been classified as a Variant of Uncertain Significance.